The following is an entry in ClinVar:

ClinVar aggregate classification (germline): Likely pathogenic (1 of 4 stars; one submission).

Submission:

Labcorp Genetics (formerly Invitae), Labcorp
Classification: Likely pathogenic. Last evaluated: 2022-09-18. Review status: criteria provided, single submitter. Criteria: Invitae Variant Classification Sherloc (09022015). Collection method: clinical testing. Allele origin: germline.
Comment: In summary, the currently available evidence indicates that the variant is pathogenic, but additional data are needed to prove that conclusively. Therefore, this variant has been classified as Likely Pathogenic. Algorithms developed to predict the effect of sequence changes on RNA splicing suggest that this variant may disrupt the consensus splice site. This variant has not been reported in the literature in individuals affected with LHX4-related conditions. This variant is not present in population databases (gnomAD no frequency). This sequence change affects an acceptor splice site in intron 1 of the LHX4 gene. It is expected to disrupt RNA splicing. Variants that disrupt the donor or acceptor splice site typically lead to a loss of protein function (PMID: 16199547), and loss-of-function variants in LHX4 are known to be pathogenic (PMID: 11567216, 25910213).

Literature cited by the submitters: PubMed 16199547; PubMed 11567216; PubMed 25910213.

NM_033343.4(LHX4):c.77-2A>G

Gene: LHX4 (LIM homeobox 4; plus strand). Cytogenetic location: 1q25.2.
Variant type: single nucleotide variant.
Coding change: c.77-2A>G on transcript NM_033343.4 (MANE Select); the canonical splice acceptor site of the intron before coding-DNA position 77, A replaced by G.
Molecular consequence: splice acceptor variant.
Genome position (GRCh38, 1-based): chr1:180,248,283, A>G. VCF-style: chr1-180248283-A-G. GRCh37 (hg19) VCF-style: chr1-180217418-A-G.
Identifiers: ClinVar variation 2031127 (VCV002031127.4), dbSNP rs2528185029, ClinGen allele CA343592763.